The following is an entry in ClinVar:

ClinVar aggregate classification (germline): Uncertain significance (1 of 4 stars; one submission).

Conditions:
Fanconi anemia (FA). Also called: Fanconi's anemia. Identifiers: Orphanet 84, MedGen C0015625, MeSH D005199, MONDO:0019391.

Submission:

Labcorp Genetics (formerly Invitae), Labcorp
Classification: Uncertain significance for Fanconi anemia. Last evaluated: 2022-07-19. Review status: criteria provided, single submitter. Criteria: Invitae Variant Classification Sherloc (09022015). Collection method: clinical testing. Allele origin: germline.
Comment: Algorithms developed to predict the effect of missense changes on protein structure and function (SIFT, PolyPhen-2, Align-GVGD) all suggest that this variant is likely to be disruptive. In summary, the available evidence is currently insufficient to determine the role of this variant in disease. Therefore, it has been classified as a Variant of Uncertain Significance. ClinVar contains an entry for this variant (Variation ID: 1380511). This variant has not been reported in the literature in individuals affected with FANCF-related conditions. This variant is not present in population databases (gnomAD no frequency). This sequence change replaces arginine, which is basic and polar, with glutamine, which is neutral and polar, at codon 33 of the FANCF protein (p.Arg33Gln).

NM_022725.4(FANCF):c.98G>A (p.Arg33Gln)

Gene: FANCF (FA complementation group F; minus strand). Cytogenetic location: 11p14.3.
Variant type: single nucleotide variant.
Coding change: c.98G>A on transcript NM_022725.4 (MANE Select); coding-DNA position 98, G replaced by A.
Protein change: p.Arg33Gln; replaces arginine 33 with glutamine.
Molecular consequence: missense variant.
Genome position (GRCh38, 1-based): chr11:22,625,713, C>T on the plus strand (G>A on the coding strand, the complement: FANCF is on the minus strand). VCF-style: chr11-22625713-C-T. GRCh37 (hg19) VCF-style: chr11-22647259-C-T.
Other names: short protein forms R33Q.
Identifiers: ClinVar variation 1380511 (VCV001380511.8), dbSNP rs2133798673, ClinGen allele CA380059709.